The following is an entry in ClinVar:

ClinVar aggregate classification (germline): Uncertain significance (1 of 4 stars; one submission).

Allele frequency attached by ClinVar (database versions not stated): TOPMed below 0.00001.

Submission:

Labcorp Genetics (formerly Invitae), Labcorp
Classification: Uncertain significance. Last evaluated: 2024-12-30. Review status: criteria provided, single submitter. Criteria: Invitae Variant Classification Sherloc (09022015). Collection method: clinical testing. Allele origin: germline.
Comment: This sequence change replaces isoleucine, which is neutral and non-polar, with valine, which is neutral and non-polar, at codon 320 of the CFB protein (p.Ile320Val). This variant is not present in population databases (gnomAD no frequency). This variant has not been reported in the literature in individuals affected with CFB-related conditions. ClinVar contains an entry for this variant (Variation ID: 1464668). Invitae Evidence Modeling of protein sequence and biophysical properties (such as structural, functional, and spatial information, amino acid conservation, physicochemical variation, residue mobility, and thermodynamic stability) indicates that this missense variant is not expected to disrupt CFB protein function with a negative predictive value of 80%. In summary, the available evidence is currently insufficient to determine the role of this variant in disease. Therefore, it has been classified as a Variant of Uncertain Significance.

NM_001710.6(CFB):c.958A>G (p.Ile320Val)

Gene: CFB (complement factor B; plus strand). Cytogenetic location: 6p21.33.
Variant type: single nucleotide variant.
Coding change: c.958A>G on transcript NM_001710.6 (MANE Select); coding-DNA position 958, A replaced by G.
Protein change: p.Ile320Val; replaces isoleucine 320 with valine.
Molecular consequence: missense variant.
Genome position (GRCh38, 1-based): chr6:31,948,434, A>G. VCF-style: chr6-31948434-A-G. GRCh37 (hg19) VCF-style: chr6-31916211-A-G.
Other names: short protein forms I320V.
Identifiers: ClinVar variation 1464668 (VCV001464668.8), dbSNP rs1771568435, ClinGen allele CA363398460.